The following is an entry in ClinVar:

ClinVar aggregate classification (germline): Uncertain significance. Review status: criteria provided, multiple submitters, no conflicts (2 of 4 stars). 2 submissions from 2 submitters: Uncertain significance (2). Last evaluated 2026-05-15.

Conditions:
Cardiovascular phenotype. Identifiers: MedGen CN230736.
Long QT syndrome (LQTS). Identifiers: MedGen C0023976, MeSH D008133, MONDO:0002442. Disease mechanism: loss of function. Inheritance: Various modes of inheritance.

Submissions (2):

Ambry Genetics
Classification: Uncertain significance for Cardiovascular phenotype. Last evaluated: 2026-05-15. Review status: criteria provided, single submitter. Criteria: Ambry Variant Classification Scheme 2023. Collection method: clinical testing. Allele origin: germline.
Comment: The c.7252_7255delGAAA variant, located in coding exon 31 of the AKAP9 gene, results from a deletion of 4 nucleotides at nucleotide positions 7252 to 7255, causing a translational frameshift with a predicted alternate stop codon (p.E2418Pfs*5). The evidence for this gene-disease relationship is limited; therefore, the clinical significance of this variant is unclear.

Labcorp Genetics (formerly Invitae), Labcorp
Classification: Uncertain significance for Long QT syndrome. Last evaluated: 2024-09-10. Review status: criteria provided, single submitter. Criteria: Invitae Variant Classification Sherloc (09022015). Collection method: clinical testing. Allele origin: germline.
Comment: This sequence change creates a premature translational stop signal (p.Glu2418Profs*5) in the AKAP9 gene. It is expected to result in an absent or disrupted protein product. However, the current clinical and genetic evidence is not sufficient to establish whether loss-of-function variants in AKAP9 cause disease. This variant is present in population databases (no rsID available, gnomAD 0.004%). This premature translational stop signal has been observed in individual(s) with prolonged QT interval (PMID: 36421840). In summary, the available evidence is currently insufficient to determine the role of this variant in disease. Therefore, it has been classified as a Variant of Uncertain Significance.

Literature cited by the submitters: PubMed 36421840 (cited by Labcorp Genetics (formerly Invitae), Labcorp).

NM_005751.5(AKAP9):c.7252_7255del (p.Glu2418fs)

Gene: AKAP9 (A-kinase anchoring protein 9; plus strand). Cytogenetic location: 7q21.2.
Variant type: Deletion.
Coding change: c.7252_7255del on transcript NM_005751.5 (MANE Select); coding-DNA positions 7252 to 7255, 4 bases deleted (GAAA; older notation c.7252_7255delGAAA).
Protein change: p.Glu2418fs; shifts the reading frame from glutamic acid 2418.
Molecular consequence: frameshift variant.
Genome position (GRCh38, 1-based): chr7:92,079,385-92,079,388, GAAA deleted; deleting any 4 consecutive bases within chr7:92,079,382-92,079,388 gives the same sequence; the c. name uses the placement nearest the transcript's 3' end. VCF-style (leftmost placement, unchanged base first): chr7-92079381-TAAAG-T. GRCh37 (hg19) VCF-style: chr7-91708695-TAAAG-T.
Other names: c.1897_1900del, p.Glu633fs (NM_001379277.1); c.7228_7231del, p.Glu2410fs (NM_147185.3); short protein forms E633fs, E2418fs, E2410fs.
Identifiers: ClinVar variation 3712265 (VCV003712265.3).